The following is an entry in ClinVar:

NM_006269.2(RP1):c.2005G>A (p.Ala669Thr)

Gene: RP1 (RP1 axonemal microtubule associated; plus strand). Cytogenetic location: 8q12.1.
Variant type: single nucleotide variant.
Coding change: c.2005G>A on transcript NM_006269.2 (MANE Select); coding-DNA position 2005, G replaced by A.
Protein change: p.Ala669Thr; replaces alanine 669 with threonine.
Molecular consequence: missense variant. On other transcripts: intron variant (1).
Genome position (GRCh38, 1-based): chr8:54,625,887, G>A. VCF-style: chr8-54625887-G-A. GRCh37 (hg19) VCF-style: chr8-55538447-G-A.
Other names: c.787+3599G>A (NM_001375654.1); short protein forms A669T.
Identifiers: ClinVar variation 810287 (VCV000810287.56), dbSNP rs201725231, ClinGen allele CA4751463.
Genomic context (GRCh38, chr8:54,625,887, plus strand): 5'-TTTGCTCAGTGTGGTTTAACAAAACTTCCAAAAAATGAAAAGAAGATTTTGTCATCTGTT[G>A]CCAGCAAAAAGAAGAAAAAATCTCGACAGCAAGCAATAAATTCCAGGTATCAAGATGGAC-3'
Protein context (NP_006260.1, residues 659-679): KNEKKILSSV[Ala669Thr]SKKKKKSRQQ

ClinVar aggregate classification (germline): Uncertain significance. Review status: criteria provided, multiple submitters, no conflicts (2 of 4 stars). 7 submissions from 7 submitters: Uncertain significance (7). Last evaluated 2026-07-28.

Conditions:
Retinitis pigmentosa (RP). Identifiers: Orphanet 791, MedGen C0035334, MeSH D012174, MONDO:0019200, OMIM 268000. Inheritance: Autosomal dominant, autosomal recessive and X linked inheritance.
Retinal dystrophy. Also called: Inherited retinal dystrophy. Identifiers: Orphanet 71862, MedGen C0854723, MeSH D058499, MONDO:0019118, HP:0000556.
Retinitis pigmentosa 1 (RP1). Identifiers: Orphanet 791, MedGen C0220701, MONDO:0008377, OMIM 180100.
RP1-related disorder. Also called: RP1-related condition.

Allele frequency attached by ClinVar (database versions not stated): gnomAD 0.00013; ExAC 0.00014; gnomAD exomes 0.00014 and 0.00023; TOPMed 0.00022; ESP Exome Variant Server 0.00039.
gnomAD v4.1: 364 of 1,613,670 alleles (0.023%); highest among the groups gnomAD compares: Middle Eastern, 0.066%; no homozygotes.

Submissions (7):

PreventionGenetics, part of Exact Sciences
Classification: Uncertain significance for RP1-related condition. Last evaluated: 2026-07-28. Review status: criteria provided, single submitter. Criteria: ACMG Guidelines, 2015. Collection method: clinical testing. Allele origin: germline.
Comment: The RP1 c.2005G>A variant is predicted to result in the amino acid substitution p.Ala669Thr. This variant was reported in the heterozygous state in individuals with retinitis pigmentosa (Khaliq et al. 2005. PubMed ID: 15863674; Haer-Wigman et al. 2017. PubMed ID: 28224992; Zhang et al. 2010. PubMed ID: 20664799). This variant is reported in 0.021% of alleles in individuals of European (Non-Finnish) descent in gnomAD. At this time, the clinical significance of this variant is uncertain due to the absence of conclusive functional and genetic evidence.

Labcorp Genetics (formerly Invitae), Labcorp
Classification: Uncertain significance. Last evaluated: 2026-01-20. Review status: criteria provided, single submitter. Criteria: Invitae Variant Classification Sherloc (09022015). Collection method: clinical testing. Allele origin: germline.
Comment: This sequence change replaces alanine, which is neutral and non-polar, with threonine, which is neutral and polar, at codon 669 of the RP1 protein (p.Ala669Thr). This variant is present in population databases (rs201725231, gnomAD 0.02%). This missense change has been observed in individual(s) with autosomal dominant retinitis pigmentosa (PMID: 15863674, 20664799, 28224992). ClinVar contains an entry for this variant (Variation ID: 810287). An algorithm developed to predict the effect of missense changes on protein structure and function outputs the following: PolyPhen-2: "Benign". The threonine amino acid residue is found in multiple mammalian species, which suggests that this missense change does not adversely affect protein function. In summary, the available evidence is currently insufficient to determine the role of this variant in disease. Therefore, it has been classified as a Variant of Uncertain Significance.

Blueprint Genetics
Classification: Uncertain significance. Last evaluated: 2024-11-06. Review status: criteria provided, single submitter. Criteria: ACMG Guidelines, 2015. Collection method: clinical testing. Allele origin: germline.

Department of Pathology and Laboratory Medicine, Sinai Health System
Classification: Uncertain significance for Retinitis pigmentosa 1. Last evaluated: 2023-01-25. Review status: criteria provided, single submitter. Criteria: ACMG Guidelines, 2015. Collection method: research. Allele origin: germline.

Institute of Human Genetics, Univ. Regensburg, Univ. Regensburg
Classification: Uncertain significance for Retinal dystrophy. Last evaluated: 2020-01-01. Review status: criteria provided, single submitter. Criteria: ACMG Guidelines, 2015. Collection method: clinical testing. Allele origin: germline. Affected: yes.

CeGaT Center for Human Genetics Tuebingen
Classification: Uncertain significance. Last evaluated: 2019-11-01. Review status: criteria provided, single submitter. Criteria: CeGaT Center For Human Genetics Tuebingen Variant Classification Criteria Version 2. Collection method: clinical testing. Allele origin: germline. Affected: yes. Observed: 2 variant alleles.

Illumina Laboratory Services, Illumina
Classification: Uncertain significance for Retinitis pigmentosa. Last evaluated: 2017-04-27. Review status: criteria provided, single submitter. Criteria: ICSL Variant Classification Criteria 13 December 2019. Collection method: clinical testing. Allele origin: germline.
Comment: This variant was observed as part of a predisposition screen in an ostensibly healthy population. A literature search was performed for the gene, cDNA change, and amino acid change (where applicable). Publications were found based on this search. However, the evidence from the literature, in combination with allele frequency data from public databases where available, was not sufficient to rule this variant in or out of causing disease. Therefore, this variant is classified as a variant of unknown significance.

Literature cited by the submitters: PubMed 15863674 (cited by 3 submitters); PubMed 20664799 (cited by Labcorp Genetics (formerly Invitae), Labcorp and Illumina Laboratory Services, Illumina); PubMed 28224992 (cited by Labcorp Genetics (formerly Invitae), Labcorp and Institute of Human Genetics, Univ. Regensburg, Univ. Regensburg); PubMed 34426522 (cited by Institute of Human Genetics, Univ. Regensburg, Univ. Regensburg); PubMed 22052604 (cited by Illumina Laboratory Services, Illumina); PubMed 25088982 (cited by Illumina Laboratory Services, Illumina).